The following is an entry in ClinVar:

ClinVar aggregate classification (germline): Uncertain significance. Review status: criteria provided, multiple submitters, no conflicts (2 of 4 stars). 3 submissions from 3 submitters: Uncertain significance (3). Last evaluated 2025-09-10.

Conditions:
Stüve-Wiedemann syndrome 1. Also called: STUVE-WIEDEMANN/SCHWARTZ-JAMPEL TYPE 2 SYNDROME. Identifiers: Orphanet 3206, MedGen C5676888, MONDO:0800043, OMIM 601559.
Inborn genetic diseases. Identifiers: MedGen C0950123, MeSH D030342.

Allele frequency attached by ClinVar (database versions not stated): TOPMed below 0.00001; gnomAD 0.00001.
gnomAD v4.1: 6 of 1,614,060 alleles (0.00037%); highest among the groups gnomAD compares: Non-Finnish European, 0.00051%; no homozygotes.

Submissions (3):

Ambry Genetics
Classification: Uncertain significance for Inborn genetic diseases. Last evaluated: 2025-09-10. Review status: criteria provided, single submitter. Criteria: Ambry Variant Classification Scheme 2023. Collection method: clinical testing. Allele origin: germline.

Fulgent Genetics
Classification: Uncertain significance for Stüve-Wiedemann syndrome 1. Last evaluated: 2024-05-12. Review status: criteria provided, single submitter. Criteria: ACMG Guidelines, 2015. Collection method: clinical testing. Allele origin: germline.

Labcorp Genetics (formerly Invitae), Labcorp
Classification: Uncertain significance. Last evaluated: 2023-09-17. Review status: criteria provided, single submitter. Criteria: Invitae Variant Classification Sherloc (09022015). Collection method: clinical testing. Allele origin: germline.
Comment: This sequence change replaces tyrosine, which is neutral and polar, with cysteine, which is neutral and slightly polar, at codon 657 of the LIFR protein (p.Tyr657Cys). This variant is not present in population databases (gnomAD no frequency). This variant has not been reported in the literature in individuals affected with LIFR-related conditions. An algorithm developed to predict the effect of missense changes on protein structure and function (PolyPhen-2) suggests that this variant is likely to be disruptive. In summary, the available evidence is currently insufficient to determine the role of this variant in disease. Therefore, it has been classified as a Variant of Uncertain Significance.

NM_001127671.2(LIFR):c.1970A>G (p.Tyr657Cys)

Gene: LIFR (LIF receptor subunit alpha; minus strand). Cytogenetic location: 5p13.1.
Variant type: single nucleotide variant.
Coding change: c.1970A>G on transcript NM_001127671.2 (MANE Select); coding-DNA position 1970, A replaced by G.
Protein change: p.Tyr657Cys; replaces tyrosine 657 with cysteine.
Molecular consequence: missense variant.
Genome position (GRCh38, 1-based): chr5:38,493,701, T>C on the plus strand (A>G on the coding strand, the complement: LIFR is on the minus strand). VCF-style: chr5-38493701-T-C. GRCh37 (hg19) VCF-style: chr5-38493803-T-C.
Other names: c.1970A>G (NM_002310.5); c.1970A>G, p.Tyr657Cys (NM_001364297.2, NM_001364298.2, NM_002310.6); short protein forms Y657C.
Identifiers: ClinVar variation 3015476 (VCV003015476.3), dbSNP rs1561140463, ClinGen allele CA359538999.
Genomic context (GRCh38, chr5:38,493,701, plus strand): 5'-ACTTTTCTCCAGTCCATAAGGCATGGTTCCGACCGAGACGAGTTACACCACTTAATGACG[T>C]AGTCGCAAGTCATGTTGGGGTCGTAATGCCAGGTGAGGAGAATCCCCTTTCCCATCCCAA-3'
Protein context (NP_001121143.1, residues 647-667): WHYDPNMTCD[Tyr657Cys]VIKWCNSSRS